The following is an entry in ClinVar:

ClinVar aggregate classification (germline): Uncertain significance (1 of 4 stars; one submission).

Submission:

Ambry Genetics
Classification: Uncertain significance. Last evaluated: 2024-08-17. Review status: criteria provided, single submitter. Criteria: Ambry Variant Classification Scheme 2023. Collection method: clinical testing. Allele origin: germline.
Comment: The p.R79S variant (also known as c.235C>A), located in coding exon 4 of the RPS20 gene, results from a C to A substitution at nucleotide position 235. The arginine at codon 79 is replaced by serine, an amino acid with dissimilar properties. This amino acid position is conserved. In addition, this alteration is predicted to be deleterious by in silico analysis. Based on the available evidence, the clinical significance of this variant remains unclear.

NM_001023.4(RPS20):c.235C>A (p.Arg79Ser)

Gene: RPS20 (ribosomal protein S20; minus strand). Cytogenetic location: 8q12.1.
Variant type: single nucleotide variant.
Coding change: c.235C>A on transcript NM_001023.4 (MANE Select); coding-DNA position 235, C replaced by A.
Protein change: p.Arg79Ser; replaces arginine 79 with serine.
Molecular consequence: missense variant.
Genome position (GRCh38, 1-based): chr8:56,073,215, G>T on the plus strand (C>A on the coding strand, the complement: RPS20 is on the minus strand). VCF-style: chr8-56073215-G-T. GRCh37 (hg19) VCF-style: chr8-56985774-G-T.
Other names: c.235C>A, p.Arg79Ser (NM_001146227.3); short protein forms R79S.
Identifiers: ClinVar variation 3435316 (VCV003435316.1).
Genomic context (GRCh38, chr8:56,073,215, plus strand): 5'-TAACAATCTCAGAAGGACTGTGCAAGTCAATGAGTCGCTTGTGAATTCTCATCTGGAAAC[G>T]ATCCCACGTCTTAGAACCTTCACCACAAGGAGTTTTTCTTGTAGTGATTCTCAAAGTCTG-3'
Protein context (NP_001014.1, residues 69-89): PCGEGSKTWD[Arg79Ser]FQMRIHKRLI